The following is an entry in ClinVar:

ClinVar aggregate classification (germline): Uncertain significance (1 of 4 stars; one submission).

Submission:

GeneDx
Classification: Uncertain significance. Last evaluated: 2024-02-06. Review status: criteria provided, single submitter. Criteria: GeneDx Variant Classification Process June 2021. Collection method: clinical testing. Allele origin: germline. Affected: yes.
Comment: In silico analysis supports that this missense variant has a deleterious effect on protein structure/function; Has not been previously published as pathogenic or benign to our knowledge

NM_015570.4(AUTS2):c.337C>T (p.Arg113Cys)

Gene: AUTS2 (activator of transcription and developmental regulator AUTS2; plus strand). Cytogenetic location: 7q11.22.
Variant type: single nucleotide variant.
Coding change: c.337C>T on transcript NM_015570.4 (MANE Select); coding-DNA position 337, C replaced by T.
Protein change: p.Arg113Cys; replaces arginine 113 with cysteine.
Molecular consequence: missense variant.
Genome position (GRCh38, 1-based): chr7:69,899,313, C>T. VCF-style: chr7-69899313-C-T. GRCh37 (hg19) VCF-style: chr7-69364299-C-T.
Other names: c.337C>T, p.Arg113Cys (NM_001127231.3, NM_001127232.3); short protein forms R113C.
Identifiers: ClinVar variation 3343906 (VCV003343906.1).
Genomic context (GRCh38, chr7:69,899,313, plus strand): 5'-ACCACTTCCCTTTCCTTCTCTTCTTTTCTACAGAAAGATGTAGCACTTAAGCCTCAGGAA[C>T]GTGTGGAGAAACGCCAGACGCCCCTGACCAAGAAGAAACGAGAAGCACTTACCAATGGCT-3'
Protein context (NP_056385.1, residues 103-123): EKDVALKPQE[Arg113Cys]VEKRQTPLTK